The following is an entry in ClinVar:

ClinVar aggregate classification (germline): Likely benign (0 of 4 stars; one submission).

Conditions:
CHD1L-related disorder. Also called: CHD1L-related condition.

Allele frequency attached by ClinVar (database versions not stated): gnomAD 0.00009; ExAC 0.00013; TOPMed 0.00017; 1000 Genomes Project 30x 0.00031; 1000 Genomes Project 0.00040.
gnomAD v4.1: 161 of 1,614,114 alleles (0.01%); highest among the groups gnomAD compares: East Asian, 0.27%; no homozygotes.

Submission:

PreventionGenetics, part of Exact Sciences
Classification: Likely benign for CHD1L-related condition. Last evaluated: 2019-10-28. Review status: no assertion criteria provided. Collection method: clinical testing. Allele origin: germline.
Comment: This variant is classified as likely benign based on ACMG/AMP sequence variant interpretation guidelines (Richards et al. 2015 PMID: 25741868, with internal and published modifications).

NM_004284.6(CHD1L):c.171C>T (p.Leu57=)

Gene: CHD1L (chromodomain helicase DNA binding protein 1 like; plus strand). Cytogenetic location: 1q21.1.
Variant type: single nucleotide variant.
Coding change: c.171C>T on transcript NM_004284.6 (MANE Select); coding-DNA position 171, C replaced by T.
Protein change: p.Leu57=; no amino-acid change (leucine 57 retained).
Molecular consequence: synonymous variant. On other transcripts: non-coding transcript variant (10), intron variant (11), 5 prime UTR variant (9).
Genome position (GRCh38, 1-based): chr1:147,252,666, C>T. VCF-style: chr1-147252666-C-T. GRCh37 (hg19) VCF-style: chr1-146724321-C-T.
Other names: c.-99-2204C>T (NM_001348453.2); c.-596-2204C>T (NM_001348457.2); c.-440-2204C>T (NM_001348461.2); c.-521-2204C>T (NM_001348464.2); c.-489-3147C>T (NM_001348459.2); c.-349-7171C>T (NM_001348463.2); c.-342-7171C>T (NM_001348466.2); c.-186-7171C>T (NM_001256337.3); and 10 more.
Identifiers: ClinVar variation 3040828 (VCV003040828.2), dbSNP rs3737844, ClinGen allele CA1063174.